The following is an entry in ClinVar:

ClinVar aggregate classification (germline): Uncertain significance. Review status: criteria provided, multiple submitters, no conflicts (2 of 4 stars). 2 submissions from 2 submitters: Uncertain significance (2). Last evaluated 2020-07-17.

Conditions:
Muscular dystrophy-dystroglycanopathy type B6 (MDDGB6). Also called: MUSCULAR DYSTROPHY-DYSTROGLYCANOPATHY (CONGENITAL WITH IMPAIRED INTELLECTUAL DEVELOPMENT), TYPE B, 6; MUSCULAR DYSTROPHY, CONGENITAL, LARGE-RELATED; MUSCULAR DYSTROPHY, CONGENITAL, TYPE 1D. Identifiers: MedGen C1837229, MONDO:0012138, OMIM 608840.

Allele frequency attached by ClinVar (database versions not stated): gnomAD 0.00001; TOPMed 0.00002.
gnomAD v4.1: 1 of 1,613,800 alleles (0.000062%); highest among the groups gnomAD compares: African/African-American, 0.0013%; no homozygotes.

Submissions (2):

GeneDx
Classification: Uncertain significance. Last evaluated: 2020-07-17. Review status: criteria provided, single submitter. Criteria: GeneDx Variant Classification Process June 2021. Collection method: clinical testing. Allele origin: germline. Affected: yes.
Comment: Not observed at a significant frequency in large population cohorts (Lek et al., 2016); In silico analysis supports that this missense variant does not alter protein structure/function; Has not been previously published as pathogenic or benign to our knowledge

Labcorp Genetics (formerly Invitae), Labcorp
Classification: Uncertain significance for Muscular dystrophy-dystroglycanopathy type B6. Last evaluated: 2017-07-31. Review status: criteria provided, single submitter. Criteria: Invitae Variant Classification Sherloc (09022015). Collection method: clinical testing. Allele origin: germline.
Comment: This sequence change replaces lysine with glutamic acid at codon 100 of the LARGE1 protein (p.Lys100Glu). The lysine residue is moderately conserved and there is a small physicochemical difference between lysine and glutamic acid. This variant is not present in population databases (ExAC no frequency). This variant has not been reported in the literature in individuals with LARGE1-related disease. ClinVar contains an entry for this variant (Variation ID: 426641). Algorithms developed to predict the effect of missense changes on protein structure and function do not agree on the potential impact of this missense change (SIFT: "Deleterious"; PolyPhen-2: "Benign"; Align-GVGD: "Class C0"). In summary, the available evidence is currently insufficient to determine the role of this variant in disease. Therefore, it has been classified as a Variant of Uncertain Significance.

NM_133642.5(LARGE1):c.298A>G (p.Lys100Glu)

Gene: LARGE1 (LARGE xylosyl- and glucuronyltransferase 1; minus strand). Cytogenetic location: 22q12.3.
Variant type: single nucleotide variant.
Coding change: c.298A>G on transcript NM_133642.5 (MANE Select); coding-DNA position 298, A replaced by G.
Protein change: p.Lys100Glu; replaces lysine 100 with glutamic acid.
Molecular consequence: missense variant.
Genome position (GRCh38, 1-based): chr22:33,650,477, T>C on the plus strand (A>G on the coding strand, the complement: LARGE1 is on the minus strand). VCF-style: chr22-33650477-T-C. GRCh37 (hg19) VCF-style: chr22-34046463-T-C.
Other names: c.298A>G, p.Lys100Glu (NM_001362949.2, NM_001362951.2, NM_001362953.2 and 7 more transcripts); short protein forms K100E.
Identifiers: ClinVar variation 426641 (VCV000426641.10), dbSNP rs985654114, ClinGen allele CA323755361.